The following is an entry in ClinVar:

NM_000094.4(COL7A1):c.4519-2del

Gene: COL7A1 (collagen type VII alpha 1 chain; minus strand). Cytogenetic location: 3p21.31.
Variant type: Deletion.
Coding change: c.4519-2del on transcript NM_000094.4 (MANE Select); the canonical splice acceptor site of the intron before coding-DNA position 4519, one base deleted (A; older notation c.4519-2delA).
Molecular consequence: splice acceptor variant.
Genome position (GRCh38, 1-based): chr3:48,582,655, T deleted on the plus strand (A on the coding strand, the reverse complement: COL7A1 is on the minus strand). VCF-style (leftmost placement, unchanged base first): chr3-48582654-CT-C. GRCh37 (hg19) VCF-style: chr3-48620087-CT-C.
Other names: c.4519-2delA (NM_000094.3).
Identifiers: ClinVar variation 1067701 (VCV001067701.7), dbSNP rs778443262, ClinGen allele CA2379967.

ClinVar aggregate classification (germline): Likely pathogenic. Review status: criteria provided, multiple submitters, no conflicts (2 of 4 stars). 3 submissions from 3 submitters: Likely pathogenic (3). Last evaluated 2025-11-12.

Conditions:
Transient bullous dermolysis of the newborn (TBDN). Also called: EPIDERMOLYSIS BULLOSA DYSTROPHICA, NEONATAL FORM; DYSTROPHIC EPIDERMOLYSIS BULLOSA, NEONATAL. Identifiers: Orphanet 79411, MedGen C1851573, MONDO:0007548, OMIM 131705.
Recessive dystrophic epidermolysis bullosa (RDEB). Also called: Recessive DEB (RDEB); DYSTROPHIC EPIDERMOLYSIS BULLOSA, AUTOSOMAL RECESSIVE; EPIDERMOLYSIS BULLOSA DYSTROPHICA, HALLOPEAU-SIEMENS TYPE; Epidermolysis Bullosa Distrophica Autosomal Recessive (RDEB); Hallopeau-Siemens Disease; severe generalized recessive dystrophic epidermolysis bullosa. Identifiers: Orphanet 79408, Orphanet 79409, MedGen C0079474, MONDO:0009179, OMIM 226600.
Nonsyndromic congenital nail disorder 8. Also called: TOENAIL DYSTROPHY, ISOLATED. Identifiers: MedGen C1843761, MONDO:0011852, OMIM 607523.
Epidermolysis bullosa pruriginosa. Also called: DEB, PRURIGINOSA; DYSTROPHIC EPIDERMOLYSIS BULLOSA PRURIGINOSA. Identifiers: Orphanet 89843, MedGen C1275114, MONDO:0011398, OMIM 604129.
Pretibial dystrophic epidermolysis bullosa. Also called: EPIDERMOLYSIS BULLOSA DYSTROPHICA, PRETIBIAL; Pretibial epidermolysis bullosa; Pretibial blistering. Identifiers: Orphanet 79410, MedGen C0432321, MONDO:0007552, OMIM 131850, HP:0012221.
Dominant dystrophic epidermolysis bullosa with absence of skin. Also called: EPIDERMOLYSIS BULLOSA DYSTROPHICA, BART TYPE; EPIDERMOLYSIS BULLOSA WITH CONGENITAL LOCALIZED ABSENCE OF SKIN AND DEFORMITY OF NAILS. Identifiers: MedGen C0268371, MONDO:0007557, OMIM 132000.
Generalized dominant dystrophic epidermolysis bullosa (DDEB). Also called: Dominant DEB (DDEB); DDEB, generalized; DDEB-gen; DYSTROPHIC EPIDERMOLYSIS BULLOSA, AUTOSOMAL DOMINANT; Epidermolysis bullosa dystrophica, autosomal dominant. Identifiers: Orphanet 231568, MedGen C0432322, MONDO:0007549, OMIM 131750.
Epidermolysis bullosa dystrophica. Also called: Dystrophic epidermolysis bullosa, Hallopeau-Siemens type (formerly); Dystrophic epidermolysis bullosa. Identifiers: Orphanet 303, MedGen C0079294, MONDO:0006543.

Allele frequency attached by ClinVar (database versions not stated): gnomAD exomes 0.00001 and 0.00002; ExAC 0.00002.

Submissions (3):

Natera, Inc.
Classification: Likely pathogenic for Dystrophic epidermolysis bullosa. Last evaluated: 2025-11-12. Review status: criteria provided, single submitter. Criteria: Natera Variant Classification Schema (03/2026). Collection method: clinical testing. Allele origin: germline.
Comment: The c.4519-2delA variant in COL7A1 is a canonical splice acceptor site variant predicted to affect pre-mRNA splicing, which may result in an abnormal transcript and altered protein product. This variant is expected to result in nonsense mediated decay, truncation, or a dysfunctional protein product. This variant is rare in the general population with a frequency below the threshold expected for the associated phenotype(s). Given the available evidence, this variant is classified as Likely Pathogenic.

Labcorp Genetics (formerly Invitae), Labcorp
Classification: Likely pathogenic. Last evaluated: 2024-10-16. Review status: criteria provided, single submitter. Criteria: Invitae Variant Classification Sherloc (09022015). Collection method: clinical testing. Allele origin: germline.
Comment: This sequence change affects a splice site in intron 43 of the COL7A1 gene. It is expected to disrupt splicing. Variants that disrupt the donor or acceptor splice site typically lead to a loss of protein function (PMID: 16199547), and loss-of-function variants in COL7A1 are known to be disease-causing for autosomal recessive dystrophic epidermolysis bullosa (PMID: 16971478). However, certain variants affecting donor or acceptor splice sites in the triple helical domain of COL7A1 are expected to result in in-frame exon skipping and have been reported to cause autosomal dominant dystrophic epidermolysis bullosa (PMID: 31670143). This variant is present in population databases (rs778443262, gnomAD 0.04%). This variant has not been reported in the literature in individuals affected with COL7A1-related conditions. ClinVar contains an entry for this variant (Variation ID: 1067701). Algorithms developed to predict the effect of sequence changes on RNA splicing suggest that this variant may disrupt the consensus splice site. In summary, the currently available evidence indicates that the variant is pathogenic, but additional data are needed to prove that conclusively. Therefore, this variant has been classified as Likely Pathogenic.

Fulgent Genetics
Classification: Likely pathogenic for Transient bullous dermolysis of the newborn; Generalized dominant dystrophic epidermolysis bullosa; Pretibial dystrophic epidermolysis bullosa; Dominant dystrophic epidermolysis bullosa with absence of skin; Recessive dystrophic epidermolysis bullosa; Epidermolysis bullosa pruriginosa; Nonsyndromic congenital nail disorder 8. Last evaluated: 2024-02-12. Review status: criteria provided, single submitter. Criteria: ACMG Guidelines, 2015. Collection method: clinical testing. Allele origin: germline.

Literature cited by the submitters: PubMed 16199547 (cited by Labcorp Genetics (formerly Invitae), Labcorp); PubMed 16971478 (cited by Labcorp Genetics (formerly Invitae), Labcorp); PubMed 31670143 (cited by Labcorp Genetics (formerly Invitae), Labcorp).